The following is an entry in ClinVar:

NM_006939.4(SOS2):c.3418A>C (p.Ser1140Arg)

Gene: SOS2 (SOS Ras/Rho guanine nucleotide exchange factor 2; minus strand). Cytogenetic location: 14q21.3.
Variant type: single nucleotide variant.
Coding change: c.3418A>C on transcript NM_006939.4 (MANE Select); coding-DNA position 3418, A replaced by C.
Protein change: p.Ser1140Arg; replaces serine 1140 with arginine.
Molecular consequence: missense variant.
Genome position (GRCh38, 1-based): chr14:50,120,346, T>G on the plus strand (A>C on the coding strand, the complement: SOS2 is on the minus strand). VCF-style: chr14-50120346-T-G. GRCh37 (hg19) VCF-style: chr14-50587064-T-G.
Other names: c.3319A>C, p.Ser1107Arg (NM_001411020.1); short protein forms S1107R, S1140R.
Identifiers: ClinVar variation 3959864 (VCV003959864.1).

ClinVar aggregate classification (germline): Uncertain significance (1 of 4 stars; one submission).

Conditions:
Cardiovascular phenotype. Identifiers: MedGen CN230736.

gnomAD v4.1: 1 of 1,605,874 alleles (0.000062%); no homozygotes.

Submission:

Ambry Genetics
Classification: Uncertain significance for Cardiovascular phenotype. Last evaluated: 2025-04-19. Review status: criteria provided, single submitter. Criteria: Ambry Variant Classification Scheme 2023. Collection method: clinical testing. Allele origin: germline.
Comment: The p.S1140R variant (also known as c.3418A>C), located in coding exon 22 of the SOS2 gene, results from an A to C substitution at nucleotide position 3418. The serine at codon 1140 is replaced by arginine, an amino acid with dissimilar properties. This amino acid position is conserved. In addition, the in silico prediction for this alteration is inconclusive. Based on the available evidence, the clinical significance of this variant remains unclear.